The following is an entry in ClinVar:

NM_032043.3(BRIP1):c.1264C>G (p.Leu422Val)

Gene: BRIP1 (BRCA1 interacting DNA helicase 1; minus strand). Cytogenetic location: 17q23.2.
Variant type: single nucleotide variant.
Coding change: c.1264C>G on transcript NM_032043.3 (MANE Select); coding-DNA position 1264, C replaced by G.
Protein change: p.Leu422Val; replaces leucine 422 with valine.
Molecular consequence: missense variant.
Genome position (GRCh38, 1-based): chr17:61,799,176, G>C on the plus strand (C>G on the coding strand, the complement: BRIP1 is on the minus strand). VCF-style: chr17-61799176-G-C. GRCh37 (hg19) VCF-style: chr17-59876537-G-C.
Other names: short protein forms L422V.
Identifiers: ClinVar variation 1763793 (VCV001763793.4), dbSNP rs768633507, ClinGen allele CA400483574.

ClinVar aggregate classification (germline): Uncertain significance. Review status: criteria provided, multiple submitters, no conflicts (2 of 4 stars). 3 submissions from 3 submitters: Uncertain significance (3). Last evaluated 2025-04-14.

Conditions:
Hereditary cancer-predisposing syndrome. Also called: Neoplastic Syndromes, Hereditary; Tumor predisposition; Hereditary neoplastic syndrome; Hereditary Cancer Syndrome. Identifiers: Orphanet 140162, MedGen C0027672, MeSH D009386, MONDO:0015356.
BRIP1-related disorder. Also called: BRIP1-related condition; BRIP1-related disorders. Identifiers: MedGen CN239206.
Fanconi anemia complementation group J. Also called: BRIP1-Related Fanconi Anemia. Identifiers: Orphanet 84, MedGen C1836860, MONDO:0012187, OMIM 609054.
Familial cancer of breast. Also called: BREAST CANCER, FAMILIAL; Hereditary breast cancer; hereditary breast carcinoma. Identifiers: Orphanet 227535, MedGen C0346153, MONDO:0016419, OMIM 114480. Disease mechanism: loss of function.

Submissions (3):

Labcorp Genetics (formerly Invitae), Labcorp
Classification: Uncertain significance for Familial cancer of breast; Fanconi anemia complementation group J. Last evaluated: 2025-04-14. Review status: criteria provided, single submitter. Criteria: Invitae Variant Classification Sherloc (09022015). Collection method: clinical testing. Allele origin: germline.
Comment: This sequence change replaces leucine, which is neutral and non-polar, with valine, which is neutral and non-polar, at codon 422 of the BRIP1 protein (p.Leu422Val). This variant is not present in population databases (gnomAD no frequency). This variant has not been reported in the literature in individuals affected with BRIP1-related conditions. ClinVar contains an entry for this variant (Variation ID: 1763793). Invitae Evidence Modeling of protein sequence and biophysical properties (such as structural, functional, and spatial information, amino acid conservation, physicochemical variation, residue mobility, and thermodynamic stability) has been performed for this missense variant. However, the output from this modeling did not meet the statistical confidence thresholds required to predict the impact of this variant on BRIP1 protein function. In summary, the available evidence is currently insufficient to determine the role of this variant in disease. Therefore, it has been classified as a Variant of Uncertain Significance.

PreventionGenetics, part of Exact Sciences
Classification: Uncertain significance for BRIP1-related condition. Last evaluated: 2023-02-13. Review status: criteria provided, single submitter. Criteria: ACMG Guidelines, 2015. Collection method: clinical testing. Allele origin: germline.
Comment: The BRIP1 c.1264C>G variant is predicted to result in the amino acid substitution p.Leu422Val. To our knowledge, this variant has not been reported in the literature or in a large population database, indicating this variant is rare. At this time, the clinical significance of this variant is uncertain due to the absence of conclusive functional and genetic evidence.

Ambry Genetics
Classification: Uncertain significance for Hereditary cancer-predisposing syndrome. Last evaluated: 2022-05-27. Review status: criteria provided, single submitter. Criteria: Ambry Variant Classification Scheme 2023. Collection method: clinical testing. Allele origin: germline.
Comment: The p.L422V variant (also known as c.1264C>G), located in coding exon 8 of the BRIP1 gene, results from a C to G substitution at nucleotide position 1264. The leucine at codon 422 is replaced by valine, an amino acid with highly similar properties. This amino acid position is well conserved in available vertebrate species. In addition, the in silico prediction for this alteration is inconclusive. Since supporting evidence is limited at this time, the clinical significance of this alteration remains unclear.